The following is an entry in ClinVar:

ClinVar aggregate classification (germline): Uncertain significance (1 of 4 stars; one submission).

Allele frequency attached by ClinVar (database versions not stated): TOPMed below 0.00001.

Submission:

Labcorp Genetics (formerly Invitae), Labcorp
Classification: Uncertain significance. Last evaluated: 2021-08-27. Review status: criteria provided, single submitter. Criteria: Invitae Variant Classification Sherloc (09022015). Collection method: clinical testing. Allele origin: germline.
Comment: This sequence change replaces phenylalanine with cysteine at codon 5 of the PCDH15 protein (p.Phe5Cys). The phenylalanine residue is weakly conserved and there is a large physicochemical difference between phenylalanine and cysteine. This variant is not present in population databases (ExAC no frequency). This variant has not been reported in the literature in individuals affected with PCDH15-related conditions. Algorithms developed to predict the effect of missense changes on protein structure and function are either unavailable or do not agree on the potential impact of this missense change (SIFT: "Deleterious"; PolyPhen-2: "Possibly Damaging"; Align-GVGD: "Class C0"). In summary, the available evidence is currently insufficient to determine the role of this variant in disease. Therefore, it has been classified as a Variant of Uncertain Significance.

NM_001384140.1(PCDH15):c.14T>G (p.Phe5Cys)

Gene: PCDH15 (protocadherin related 15; minus strand). Cytogenetic location: 10q21.1.
Variant type: single nucleotide variant.
Coding change: c.14T>G on transcript NM_001384140.1 (MANE Select); coding-DNA position 14, T replaced by G.
Protein change: p.Phe5Cys; replaces phenylalanine 5 with cysteine.
Molecular consequence: missense variant.
Genome position (GRCh38, 1-based): chr10:54,664,249, A>C on the plus strand (T>G on the coding strand, the complement: PCDH15 is on the minus strand). VCF-style: chr10-54664249-A-C. GRCh37 (hg19) VCF-style: chr10-56424009-A-C.
Other names: c.14T>G, p.Phe5Cys (NM_001142763.2, NM_001142764.2, NM_001142765.2 and 14 more transcripts); short protein forms F5C.
Identifiers: ClinVar variation 935278 (VCV000935278.7), dbSNP rs1430074299, ClinGen allele CA376542022.